The following is an entry in ClinVar:

ClinVar aggregate classification (germline): Uncertain significance. Review status: criteria provided, multiple submitters, no conflicts (2 of 4 stars). 3 submissions from 3 submitters: Uncertain significance (3). Last evaluated 2025-03-26.

Conditions:
Hereditary cancer-predisposing syndrome. Also called: Neoplastic Syndromes, Hereditary; Tumor predisposition; Hereditary Cancer Syndrome; Hereditary neoplastic syndrome. Identifiers: Orphanet 140162, MedGen C0027672, MeSH D009386, MONDO:0015356.
Cardiovascular phenotype. Identifiers: MedGen CN230736.

gnomAD v4.1: 2 of 1,613,980 alleles (0.00012%); highest among the groups gnomAD compares: Non-Finnish European, 0.000085%; no homozygotes.

Submissions (3):

Labcorp Genetics (formerly Invitae), Labcorp
Classification: Uncertain significance. Last evaluated: 2025-03-26. Review status: criteria provided, single submitter. Criteria: Invitae Variant Classification Sherloc (09022015). Collection method: clinical testing. Allele origin: germline.
Comment: This sequence change replaces arginine, which is basic and polar, with leucine, which is neutral and non-polar, at codon 68 of the LZTR1 protein (p.Arg68Leu). This variant is not present in population databases (gnomAD no frequency). This variant has not been reported in the literature in individuals affected with LZTR1-related conditions. ClinVar contains an entry for this variant (Variation ID: 1784884). An algorithm developed to predict the effect of missense changes on protein structure and function (PolyPhen-2) suggests that this variant is likely to be disruptive. In summary, the available evidence is currently insufficient to determine the role of this variant in disease. Therefore, it has been classified as a Variant of Uncertain Significance.

GeneDx
Classification: Uncertain significance. Last evaluated: 2024-06-24. Review status: criteria provided, single submitter. Criteria: GeneDx Variant Classification Process June 2021. Collection method: clinical testing. Allele origin: germline. Affected: yes.
Comment: Not observed at significant frequency in large population cohorts (gnomAD); In silico analysis supports that this missense variant has a deleterious effect on protein structure/function; Has not been previously published as pathogenic or benign to our knowledge

Ambry Genetics
Classification: Uncertain significance for Cardiovascular phenotype; Hereditary cancer-predisposing syndrome. Last evaluated: 2020-10-16. Review status: criteria provided, single submitter. Criteria: Ambry Variant Classification Scheme 2023. Collection method: clinical testing. Allele origin: germline.
Comment: The p.R68L variant (also known as c.203G>T), located in coding exon 2 of the LZTR1 gene, results from a G to T substitution at nucleotide position 203. The arginine at codon 68 is replaced by leucine, an amino acid with dissimilar properties. This amino acid position is highly conserved in available vertebrate species. In addition, this alteration is predicted to be deleterious by in silico analysis. Since supporting evidence is limited at this time, the clinical significance of this alteration remains unclear.

NM_006767.4(LZTR1):c.203G>T (p.Arg68Leu)

Gene: LZTR1 (leucine zipper like post translational regulator 1; plus strand). Cytogenetic location: 22q11.21.
Variant type: single nucleotide variant.
Coding change: c.203G>T on transcript NM_006767.4 (MANE Select); coding-DNA position 203, G replaced by T.
Protein change: p.Arg68Leu; replaces arginine 68 with leucine.
Molecular consequence: missense variant.
Genome position (GRCh38, 1-based): chr22:20,983,029, G>T. VCF-style: chr22-20983029-G-T. GRCh37 (hg19) VCF-style: chr22-21337318-G-T.
Other names: short protein forms R68L.
Identifiers: ClinVar variation 1784884 (VCV001784884.4), dbSNP rs1366219004, ClinGen allele CA410778250.